The following is an entry in ClinVar:

ClinVar aggregate classification (germline): Pathogenic/Likely pathogenic. Review status: criteria provided, multiple submitters, no conflicts (2 of 4 stars). 2 submissions from 2 submitters: Pathogenic (1); Likely pathogenic (1). Last evaluated 2026-01-28.

Conditions:
PRPH2-related disorder. Also called: PRPH2-related condition; PRPH2-related disorders. Identifiers: MedGen CN239395.
Choroidal dystrophy, central areolar 2 (CACD2). Also called: Choriodal Dystrophy, Central Areolar 2; MACULAR DYSTROPHY, PROGRESSIVE. Identifiers: Orphanet 75377, MedGen C2751290, MONDO:0013137, OMIM 613105.

Submissions (2):

PreventionGenetics, part of Exact Sciences
Classification: Likely pathogenic for PRPH2-related condition. Last evaluated: 2026-01-28. Review status: criteria provided, single submitter. Criteria: ACMG Guidelines, 2015. Collection method: clinical testing. Allele origin: germline.
Comment: The PRPH2 c.859C>T variant is predicted to result in premature protein termination (p.Gln287*). To our knowledge, this variant has not been reported in the literature or in a large population database (gnomAD), indicating this variant is rare. Nonsense variants in PRPH2 are expected to be pathogenic. This variant is interpreted as likely pathogenic.

Genomic Medicine Center of Excellence, King Faisal Specialist Hospital and Research Centre
Classification: Pathogenic for Choroidal dystrophy, central areolar 2. Last evaluated: 2024-12-19. Review status: criteria provided, single submitter. Criteria: ACMG Guidelines, 2015. Collection method: clinical testing. Allele origin: germline.

NM_000322.5(PRPH2):c.859C>T (p.Gln287Ter)

Gene: PRPH2 (peripherin 2; minus strand). Cytogenetic location: 6p21.1.
Variant type: single nucleotide variant.
Coding change: c.859C>T on transcript NM_000322.5 (MANE Select); coding-DNA position 859, C replaced by T.
Protein change: p.Gln287Ter; replaces glutamine 287 with a stop codon.
Molecular consequence: nonsense.
Genome position (GRCh38, 1-based): chr6:42,698,477, G>A on the plus strand (C>T on the coding strand, the complement: PRPH2 is on the minus strand). VCF-style: chr6-42698477-G-A. GRCh37 (hg19) VCF-style: chr6-42666215-G-A.
Other names: c.859C>T (NM_000322.4); short protein forms Q287*.
Identifiers: ClinVar variation 3393228 (VCV003393228.2).